The following is an entry in ClinVar:

ClinVar aggregate classification (germline): Pathogenic (0 of 4 stars; one submission).

Conditions:
Fanconi anemia complementation group A (FANCA). Also called: Fanconi anemia, group A; FANCA-Related Fanconi Anemia. Identifiers: Orphanet 84, MedGen C3469521, MONDO:0009215, OMIM 227650.

Submission:

Leiden Open Variation Database
Classification: Pathogenic for Fanconi anemia complementation group A. Last evaluated: 2020-02-28. Review status: no assertion criteria provided. Collection method: curation. Allele origin: germline. Affected: yes.
Comment: Curator: Arleen D. Auerbach. Submitter to LOVD: Arleen D. Auerbach.

Literature cited by the submitters: PubMed 10521298; PubMed 12444097.

NM_000135.4(FANCA):c.4080G>C (p.Met1360Ile)

Genes: FANCA (FA complementation group A; minus strand), ZNF276 (zinc finger protein 276; plus strand). Cytogenetic location: 16q24.3.
Variant type: single nucleotide variant.
Coding change: c.4080G>C on transcript NM_000135.4 (MANE Select); coding-DNA position 4080, G replaced by C.
Protein change: p.Met1360Ile; replaces methionine 1360 with isoleucine.
Molecular consequence: missense variant. On other transcripts: 3 prime UTR variant (2), non-coding transcript variant (4).
Genome position (GRCh38, 1-based): chr16:89,739,220, C>G on the plus strand (G>C on the coding strand, the complement: FANCA is on the minus strand). VCF-style: chr16-89739220-C-G. GRCh37 (hg19) VCF-style: chr16-89805628-C-G.
Other names: c.4080G>C, p.Met1360Ile (NM_001286167.3); c.*974C>G (NM_001113525.2, NM_152287.4); short protein forms M1360I.
Identifiers: ClinVar variation 974069 (VCV000974069.1), dbSNP rs1555533300, ClinGen allele CA397484490.
Genomic context (GRCh38, chr16:89,739,220, plus strand): 5'-AGCTGGAGGTGAAACTGTGCTTGTATCCCCAGCCACGAAGAGCTGGACCAGCTTCAAGTA[C>G]ATGTCCACAGCAACATGCAGGAAGGCCTCTTCCCTGATGGCCGCGTCTTCATGGAAGTAG-3'
Protein context (NP_000126.2, residues 1350-1370): EEAFLHVAVD[Met1360Ile]YLKLVQLFVA